The following is an entry in ClinVar:

NM_024408.4(NOTCH2):c.3122T>A (p.Val1041Asp)

Gene: NOTCH2 (notch receptor 2; minus strand). Cytogenetic location: 1p12.
Variant type: single nucleotide variant.
Coding change: c.3122T>A on transcript NM_024408.4 (MANE Select); coding-DNA position 3122, T replaced by A.
Protein change: p.Val1041Asp; replaces valine 1041 with aspartic acid.
Molecular consequence: missense variant.
Genome position (GRCh38, 1-based): chr1:119,940,616, A>T on the plus strand (T>A on the coding strand, the complement: NOTCH2 is on the minus strand). VCF-style: chr1-119940616-A-T. GRCh37 (hg19) VCF-style: chr1-120483239-A-T.
Other names: c.3122T>A, p.Val1041Asp (NM_001200001.2); short protein forms V1041D.
Identifiers: ClinVar variation 3664299 (VCV003664299.2).
Genomic context (GRCh38, chr1:119,940,616, plus strand): 5'-TGACAGTTTTTCCCAGTGTAGCCCAGGGGGCAGCTGCAGCGGTAGGTACCCAGGCCATCA[A>T]CACACGTTCCCTCATTCAGGCATGGATGAGAGCTGCATTCATTGATCTCATGGAGGCAGA-3'
Protein context (NP_077719.2, residues 1031-1051): SHPCLNEGTC[Val1041Asp]DGLGTYRCSC

ClinVar aggregate classification (germline): Uncertain significance (1 of 4 stars; one submission).

Conditions:
Hajdu-Cheney syndrome (HJCYS). Also called: ACROOSTEOLYSIS WITH OSTEOPOROSIS AND CHANGES IN SKULL AND MANDIBLE; SERPENTINE FIBULA-POLYCYSTIC KIDNEY SYNDROME; Acroosteolysis dominant type. Identifiers: Orphanet 955, MedGen C0917715, MONDO:0007057, OMIM 102500.

gnomAD v4.1: 6 of 1,614,082 alleles (0.00037%); highest among the groups gnomAD compares: Non-Finnish European, 0.00051%; no homozygotes.

Submission:

Labcorp Genetics (formerly Invitae), Labcorp
Classification: Uncertain significance for Hajdu-Cheney syndrome. Last evaluated: 2024-09-02. Review status: criteria provided, single submitter. Criteria: Invitae Variant Classification Sherloc (09022015). Collection method: clinical testing. Allele origin: germline.
Comment: This sequence change replaces valine, which is neutral and non-polar, with aspartic acid, which is acidic and polar, at codon 1041 of the NOTCH2 protein (p.Val1041Asp). This variant is present in population databases (no rsID available, gnomAD 0.0009%). This variant has not been reported in the literature in individuals affected with NOTCH2-related conditions. Invitae Evidence Modeling of protein sequence and biophysical properties (such as structural, functional, and spatial information, amino acid conservation, physicochemical variation, residue mobility, and thermodynamic stability) indicates that this missense variant is not expected to disrupt NOTCH2 protein function with a negative predictive value of 80%. In summary, the available evidence is currently insufficient to determine the role of this variant in disease. Therefore, it has been classified as a Variant of Uncertain Significance.